The following is an entry in ClinVar:

NM_014915.3(ANKRD26):c.3106A>G (p.Arg1036Gly)

Gene: ANKRD26 (ankyrin repeat domain containing 26; minus strand). Cytogenetic location: 10p12.1.
Variant type: single nucleotide variant.
Coding change: c.3106A>G on transcript NM_014915.3 (MANE Select); coding-DNA position 3106, A replaced by G.
Protein change: p.Arg1036Gly; replaces arginine 1036 with glycine.
Molecular consequence: missense variant.
Genome position (GRCh38, 1-based): chr10:27,035,344, T>C on the plus strand (A>G on the coding strand, the complement: ANKRD26 is on the minus strand). VCF-style: chr10-27035344-T-C. GRCh37 (hg19) VCF-style: chr10-27324273-T-C.
Other names: c.3103A>G, p.Arg1035Gly (NM_001256053.2); short protein forms R1035G, R1036G.
Identifiers: ClinVar variation 4104325 (VCV004104325.1).
Genomic context (GRCh38, chr10:27,035,344, plus strand): 5'-TTAGGTTAGACACATCAAAATTCATTTTGTCCTGTAAACGAGAACATTCATCTCTTGCTC[T>C]CTGGAAAGCAAGTTCTAGTTCTCTTTTTGATGTCTCACTTTGATCACGATCATGTATAGC-3'
Protein context (NP_055730.2, residues 1026-1046): SKRELELAFQ[Arg1036Gly]ARDECSRLQD

ClinVar aggregate classification (germline): Uncertain significance (1 of 4 stars; one submission).

Conditions:
Inborn genetic diseases. Identifiers: MedGen C0950123, MeSH D030342.

Submission:

Ambry Genetics
Classification: Uncertain significance for Inborn genetic diseases. Last evaluated: 2025-08-19. Review status: criteria provided, single submitter. Criteria: Ambry Variant Classification Scheme 2023. Collection method: clinical testing. Allele origin: germline.
Comment: The p.R1036G variant (also known as c.3106A>G), located in coding exon 24 of the ANKRD26 gene, results from an A to G substitution at nucleotide position 3106. The arginine at codon 1036 is replaced by glycine, an amino acid with dissimilar properties. This amino acid position is conserved. In addition, this alteration is predicted to be tolerated by in silico analysis. Based on the available evidence, the clinical significance of this variant remains unclear.